The following is an entry in ClinVar:

NM_001197104.2(KMT2A):c.195G>A (p.Ala65=)

Gene: KMT2A (lysine methyltransferase 2A; plus strand). Cytogenetic location: 11q23.3.
Variant type: single nucleotide variant.
Coding change: c.195G>A on transcript NM_001197104.2 (MANE Select); coding-DNA position 195, G replaced by A.
Protein change: p.Ala65=; no amino-acid change (alanine 65 retained).
Molecular consequence: synonymous variant.
Genome position (GRCh38, 1-based): chr11:118,436,707, G>A. VCF-style: chr11-118436707-G-A. GRCh37 (hg19) VCF-style: chr11-118307422-G-A.
Other names: c.195G>A, p.Ala65= (NM_001412597.1, NM_005933.4).
Identifiers: ClinVar variation 4822222 (VCV004822222.4).

ClinVar aggregate classification (germline): Likely benign (1 of 4 stars; one submission).

Submission:

CeGaT Center for Human Genetics Tuebingen
Classification: Likely benign. Last evaluated: 2026-03-01. Review status: criteria provided, single submitter. Criteria: CeGaT Center For Human Genetics Tuebingen Variant Classification Criteria Version 2. Collection method: clinical testing. Allele origin: germline. Affected: yes. Observed: 1 variant allele.
Comment: KMT2A: PM2:Supporting, BP4, BP7